The following is an entry in ClinVar:

NM_001148.6(ANK2):c.1864C>A (p.Pro622Thr)

Gene: ANK2 (ankyrin 2; plus strand). Cytogenetic location: 4q26.
Variant type: single nucleotide variant.
Coding change: c.1864C>A on transcript NM_001148.6 (MANE Select); coding-DNA position 1864, C replaced by A.
Protein change: p.Pro622Thr; replaces proline 622 with threonine.
Molecular consequence: missense variant. On other transcripts: intron variant (10).
Genome position (GRCh38, 1-based): chr4:113,278,541, C>A. VCF-style: chr4-113278541-C-A. GRCh37 (hg19) VCF-style: chr4-114199697-C-A.
Other names: c.1695+606C>A (NM_001354271.2, NM_001386151.1, NM_001354260.2); c.1497+606C>A (NM_001386158.1); c.1782+606C>A (NM_001354245.2, NM_001354268.2); c.1801C>A, p.Pro601Thr (NM_001127493.3, NM_001354239.2, NM_001354243.2 and 10 more transcripts); c.1864C>A, p.Pro622Thr (NM_001354225.2, NM_001354228.2, NM_001354232.2 and 6 more transcripts); c.1909C>A, p.Pro637Thr (NM_001354230.2, NM_001354231.2, NM_001354237.2 and 5 more transcripts); c.1777C>A, p.Pro593Thr (NM_001354249.2, NM_001354264.2, NM_001354266.2 and 10 more transcripts); c.1822C>A, p.Pro608Thr (NM_001354261.2, NM_001386147.1, NM_001386160.1); and 8 more; short protein forms P556T, P610T, P618T, P631T, P527T, P593T, P639T, P622T.
Identifiers: ClinVar variation 3540568 (VCV003540568.1).

ClinVar aggregate classification (germline): Uncertain significance (1 of 4 stars; one submission).

Conditions:
Cardiovascular phenotype. Identifiers: MedGen CN230736.

Submission:

Ambry Genetics
Classification: Uncertain significance for Cardiovascular phenotype. Last evaluated: 2024-11-18. Review status: criteria provided, single submitter. Criteria: Ambry Variant Classification Scheme 2023. Collection method: clinical testing. Allele origin: germline.
Comment: The p.P622T variant (also known as c.1864C>A), located in coding exon 17 of the ANK2 gene, results from a C to A substitution at nucleotide position 1864. The proline at codon 622 is replaced by threonine, an amino acid with highly similar properties. This amino acid position is conserved. In addition, the in silico prediction for this alteration is inconclusive. Based on the available evidence, the clinical significance of this variant remains unclear.